The following is an entry in ClinVar:

ClinVar aggregate classification (germline): Uncertain significance (1 of 4 stars; one submission).

Conditions:
Immunodeficiency 104. Also called: SCID, AUTOSOMAL RECESSIVE, T CELL-NEGATIVE, B CELL-POSITIVE, NK CELL-POSITIVE; Severe combined immunodeficiency, autosomal recessive, T cell-negative, B cell-positive, NK cell-positive; Severe Combined Immune Deficiency, Autosomal Recessive, TCell -Negative, B Cell-Positive, NK Cell-Positive, IL7R-Related; IMMUNODEFICIENCY 104, SEVERE COMBINED. Identifiers: MedGen C5676890, MONDO:0012163, OMIM 608971.

Allele frequency attached by ClinVar (database versions not stated): TOPMed 0.00002.
gnomAD v4.1: 1 of 1,612,014 alleles (0.000062%); highest among the groups gnomAD compares: Non-Finnish European, 0.000085%; no homozygotes.

Submission:

Labcorp Genetics (formerly Invitae), Labcorp
Classification: Uncertain significance for Immunodeficiency 104. Last evaluated: 2025-10-21. Review status: criteria provided, single submitter. Criteria: Invitae Variant Classification Sherloc (09022015). Collection method: clinical testing. Allele origin: germline.
Comment: This sequence change replaces arginine, which is basic and polar, with serine, which is neutral and polar, at codon 835 of the PTPRC protein (p.Arg835Ser). This variant is present in population databases (no rsID available, gnomAD 0.0009%). This variant has not been reported in the literature in individuals affected with PTPRC-related conditions. ClinVar contains an entry for this variant (Variation ID: 1007465). An algorithm developed to predict the effect of missense changes on protein structure and function (PolyPhen-2) suggests that this variant is likely to be disruptive. In summary, the available evidence is currently insufficient to determine the role of this variant in disease. Therefore, it has been classified as a Variant of Uncertain Significance.

NM_002838.5(PTPRC):c.2505A>T (p.Arg835Ser)

Gene: PTPRC (protein tyrosine phosphatase receptor type C; plus strand). Cytogenetic location: 1q32.1.
Variant type: single nucleotide variant.
Coding change: c.2505A>T on transcript NM_002838.5 (MANE Select); coding-DNA position 2505, A replaced by T.
Protein change: p.Arg835Ser; replaces arginine 835 with serine.
Molecular consequence: missense variant.
Genome position (GRCh38, 1-based): chr1:198,741,970, A>T. VCF-style: chr1-198741970-A-T. GRCh37 (hg19) VCF-style: chr1-198711099-A-T.
Other names: c.2022A>T, p.Arg674Ser (NM_080921.4); short protein forms R674S, R835S.
Identifiers: ClinVar variation 1007465 (VCV001007465.7), dbSNP rs200065664, ClinGen allele CA35908663.